The following is an entry in ClinVar:

ClinVar aggregate classification (germline): Likely pathogenic (1 of 4 stars; one submission).

Conditions:
Glycogen storage disease type III (GSD3). Also called: Cori disease; FORBES DISEASE. Identifiers: Orphanet 366, MedGen C0017922, MONDO:0009291, OMIM 232400.

Submission:

Myriad Genetics, Inc.
Classification: Likely pathogenic for Glycogen storage disease type III. Last evaluated: 2019-11-04. Review status: criteria provided, single submitter. Criteria: Myriad Women's Health Autosomal Recessive and X-Linked Classification Criteria (2019). Collection method: clinical testing. Allele origin: unknown.
Comment: NM_000642.2(AGL):c.458C>A(S153*) is expected to be pathogenic in the context of glycogen storage disease type III. This variant is predicted to lead to an abnormal or absent protein product due to the creation of a premature termination codon in AGL, a gene where loss-of-function variants are known to be pathogenic. Please note: this variant was assessed in the context of healthy population screening.

NM_000642.3(AGL):c.458C>A (p.Ser153Ter)

Gene: AGL (amylo-alpha-1,6-glucosidase and 4-alpha-glucanotransferase; plus strand). Cytogenetic location: 1p21.2.
Variant type: single nucleotide variant.
Coding change: c.458C>A on transcript NM_000642.3 (MANE Select); coding-DNA position 458, C replaced by A.
Protein change: p.Ser153Ter; replaces serine 153 with a stop codon.
Molecular consequence: nonsense.
Genome position (GRCh38, 1-based): chr1:99,862,421, C>A. VCF-style: chr1-99862421-C-A. GRCh37 (hg19) VCF-style: chr1-100327977-C-A.
Other names: c.458C>A, p.Ser153Ter (NM_000028.3, NM_000643.3, NM_000644.3 and 5 more transcripts); c.410C>A, p.Ser137Ter (NM_000646.3); short protein forms S137*, S153*.
Identifiers: ClinVar variation 983784 (VCV000983784.3), dbSNP rs1650126015, ClinGen allele CA341333011.